The following is an entry in ClinVar:

ClinVar aggregate classification (germline): Uncertain significance (1 of 4 stars; one submission).

gnomAD v4.1: 1 of 1,598,092 alleles (0.000063%); highest among the groups gnomAD compares: South Asian, 0.0011%; no homozygotes.

Submission:

Labcorp Genetics (formerly Invitae), Labcorp
Classification: Uncertain significance. Last evaluated: 2022-07-06. Review status: criteria provided, single submitter. Criteria: Invitae Variant Classification Sherloc (09022015). Collection method: clinical testing. Allele origin: germline.
Comment: In summary, the available evidence is currently insufficient to determine the role of this variant in disease. Therefore, it has been classified as a Variant of Uncertain Significance. Advanced modeling of protein sequence and biophysical properties (such as structural, functional, and spatial information, amino acid conservation, physicochemical variation, residue mobility, and thermodynamic stability) performed at Invitae indicates that this missense variant is not expected to disrupt DCHS1 protein function. ClinVar contains an entry for this variant (Variation ID: 1365728). This variant has not been reported in the literature in individuals affected with DCHS1-related conditions. This variant is not present in population databases (gnomAD no frequency). This sequence change replaces alanine, which is neutral and non-polar, with serine, which is neutral and polar, at codon 1214 of the DCHS1 protein (p.Ala1214Ser).

NM_003737.4(DCHS1):c.3640G>T (p.Ala1214Ser)

Gene: DCHS1 (dachsous cadherin-related 1; minus strand). Cytogenetic location: 11p15.4.
Variant type: single nucleotide variant.
Coding change: c.3640G>T on transcript NM_003737.4 (MANE Select); coding-DNA position 3640, G replaced by T.
Protein change: p.Ala1214Ser; replaces alanine 1214 with serine.
Molecular consequence: missense variant.
Genome position (GRCh38, 1-based): chr11:6,631,651, C>A on the plus strand (G>T on the coding strand, the complement: DCHS1 is on the minus strand). VCF-style: chr11-6631651-C-A. GRCh37 (hg19) VCF-style: chr11-6652882-C-A.
Other names: short protein forms A1214S.
Identifiers: ClinVar variation 1365728 (VCV001365728.8), dbSNP rs949456473, ClinGen allele CA379411219.
Genomic context (GRCh38, chr11:6,631,651, plus strand): 5'-GACAAAGTCCTGCCACTTCACATACCTGTATAGGGAGGCCCCCACCAGCAGCTCCTGAAG[C>A]CTGCAGGAACGTGGGGCTGTTGTCGTTGAGGTCAAGCACTGCAACATGCACAGTGCCTGT-3'
Protein context (NP_003728.1, residues 1204-1224): LNDNSPTFLQ[Ala1214Ser]SGAAGGGLPI